The following is an entry in ClinVar:

NM_001852.4(COL9A2):c.241G>A (p.Gly81Arg)

Gene: COL9A2 (collagen type IX alpha 2 chain; minus strand). Cytogenetic location: 1p34.2.
Variant type: single nucleotide variant.
Coding change: c.241G>A on transcript NM_001852.4 (MANE Select); coding-DNA position 241, G replaced by A.
Protein change: p.Gly81Arg; replaces glycine 81 with arginine.
Molecular consequence: missense variant.
Genome position (GRCh38, 1-based): chr1:40,314,213, C>T on the plus strand (G>A on the coding strand, the complement: COL9A2 is on the minus strand). VCF-style: chr1-40314213-C-T. GRCh37 (hg19) VCF-style: chr1-40779885-C-T.
Other names: c.241G>A (NM_001852.3); short protein forms G81R.
Identifiers: ClinVar variation 3710769 (VCV003710769.3).

ClinVar aggregate classification (germline): Uncertain significance. Review status: criteria provided, multiple submitters, no conflicts (2 of 4 stars). 2 submissions from 2 submitters: Uncertain significance (2). Last evaluated 2026-08-23.

Conditions:
Inborn genetic diseases. Identifiers: MedGen C0950123, MeSH D030342.

gnomAD v4.1: 13 of 1,614,104 alleles (0.00081%); highest among the groups gnomAD compares: African/African-American, 0.0053%; no homozygotes.

Submissions (2):

Ambry Genetics
Classification: Uncertain significance for Inborn genetic diseases. Last evaluated: 2026-08-23. Review status: criteria provided, single submitter. Criteria: Ambry Variant Classification Scheme 2023. Collection method: clinical testing. Allele origin: germline.

Labcorp Genetics (formerly Invitae), Labcorp
Classification: Uncertain significance. Last evaluated: 2024-10-23. Review status: criteria provided, single submitter. Criteria: Invitae Variant Classification Sherloc (09022015). Collection method: clinical testing. Allele origin: germline.
Comment: This sequence change replaces glycine, which is neutral and non-polar, with arginine, which is basic and polar, at codon 81 of the COL9A2 protein (p.Gly81Arg). This variant is present in population databases (rs776728239, gnomAD 0.007%). This variant has not been reported in the literature in individuals affected with COL9A2-related conditions. Invitae Evidence Modeling of protein sequence and biophysical properties (such as structural, functional, and spatial information, amino acid conservation, physicochemical variation, residue mobility, and thermodynamic stability) indicates that this missense variant is expected to disrupt COL9A2 protein function with a positive predictive value of 95%. In summary, the available evidence is currently insufficient to determine the role of this variant in disease. Therefore, it has been classified as a Variant of Uncertain Significance.